The following is an entry in ClinVar:

NM_138694.4(PKHD1):c.8788C>T (p.Arg2930Trp)

Gene: PKHD1 (PKHD1 ciliary IPT domain containing fibrocystin/polyductin; minus strand). Cytogenetic location: 6p12.3.
Variant type: single nucleotide variant.
Coding change: c.8788C>T on transcript NM_138694.4 (MANE Select); coding-DNA position 8788, C replaced by T.
Protein change: p.Arg2930Trp; replaces arginine 2930 with tryptophan.
Molecular consequence: missense variant.
Genome position (GRCh38, 1-based): chr6:51,754,793, G>A on the plus strand (C>T on the coding strand, the complement: PKHD1 is on the minus strand). VCF-style: chr6-51754793-G-A. GRCh37 (hg19) VCF-style: chr6-51619591-G-A.
Other names: c.8788C>T, p.Arg2930Trp (NM_170724.3); short protein forms R2930W.
Identifiers: ClinVar variation 554927 (VCV000554927.46), dbSNP rs752776137, ClinGen allele CA3851534.

ClinVar aggregate classification (germline): Uncertain significance. Review status: criteria provided, multiple submitters, no conflicts (2 of 4 stars). 4 submissions from 4 submitters: Uncertain significance (3). 1 of the submissions does not count toward it. Last evaluated 2026-07-01.

Conditions:
PKHD1-related disorder. Also called: PKHD1-related condition.
Polycystic kidney disease 4 (PKD4). Also called: POLYCYSTIC KIDNEY AND HEPATIC DISEASE 1; POLYCYSTIC KIDNEY DISEASE, INFANTILE, TYPE I; POLYCYSTIC KIDNEY DISEASE 4 WITH OR WITHOUT POLYCYSTIC LIVER DISEASE; Autosomal Recessive Polycystic Kidney Disease – PKHD1; PKD3. Identifiers: MedGen C4540575, MONDO:0033004, OMIM 263200.

Allele frequency attached by ClinVar (database versions not stated): gnomAD 0.00001; gnomAD exomes 0.00002; TOPMed 0.00002.
gnomAD v4.1: 24 of 1,613,196 alleles (0.0015%); highest among the groups gnomAD compares: Middle Eastern, 0.016%; no homozygotes.

Submissions (4):

PreventionGenetics, part of Exact Sciences
Classification: Uncertain significance for PKHD1-related condition. Last evaluated: 2026-07-01. Review status: criteria provided, single submitter. Criteria: ACMG Guidelines, 2015. Collection method: clinical testing. Allele origin: germline.
Comment: The PKHD1 c.8788C>T variant is predicted to result in the amino acid substitution p.Arg2930Trp. This variant has been reported in an autosomal recessive polycystic disease cohort (Sharp et al. 2005. PubMed ID: 15805161), though not enough information was provided to determine pathogenicity. This variant is reported in 0.010% of alleles in individuals of East Asian descent in gnomAD. At this time, the clinical significance of this variant is uncertain due to the absence of conclusive functional and genetic evidence.

Blueprint Genetics
Classification: Uncertain significance. Last evaluated: 2024-08-22. Review status: criteria provided, single submitter. Criteria: ACMG Guidelines, 2015. Collection method: clinical testing. Allele origin: germline.

CeGaT Center for Human Genetics Tuebingen
Classification: Uncertain significance. Last evaluated: 2016-12-01. Review status: criteria provided, single submitter. Criteria: CeGaT Center For Human Genetics Tuebingen Variant Classification Criteria Version 2. Collection method: clinical testing. Allele origin: germline. Affected: yes. Observed: 1 variant allele.

Counsyl
Classification: Uncertain significance for Polycystic kidney disease 4. Last evaluated: 2017-11-08. Review status: no assertion criteria provided. Collection method: clinical testing. Allele origin: unknown. Not counted in ClinVar's aggregate classification.

Literature cited by the submitters: PubMed 15805161 (cited by Counsyl).